The following is an entry in ClinVar:

NM_001035.3(RYR2):c.5756G>A (p.Arg1919Gln)

Gene: RYR2 (ryanodine receptor 2; plus strand). Cytogenetic location: 1q43.
Variant type: single nucleotide variant.
Coding change: c.5756G>A on transcript NM_001035.3 (MANE Select); coding-DNA position 5756, G replaced by A.
Protein change: p.Arg1919Gln; replaces arginine 1919 with glutamine.
Molecular consequence: missense variant.
Genome position (GRCh38, 1-based): chr1:237,617,326, G>A. VCF-style: chr1-237617326-G-A. GRCh37 (hg19) VCF-style: chr1-237780626-G-A.
Other names: c.5756G>A, p.Arg1919Gln (LRG_402t1); short protein forms R1919Q.
Identifiers: ClinVar variation 463609 (VCV000463609.25), dbSNP rs199893812, ClinGen allele CA086956.

ClinVar aggregate classification (germline): Conflicting classifications of pathogenicity. Review status: criteria provided, conflicting classifications (1 of 4 stars). 6 submissions from 6 submitters: Uncertain significance (1); Likely benign (5). Last evaluated 2026-01-16.

Conditions:
Cardiovascular phenotype. Identifiers: MedGen CN230736.
Catecholaminergic polymorphic ventricular tachycardia (CVPT). Also called: Catecholamine-induced polymorphic ventricular tachycardia. Identifiers: Orphanet 3286, MedGen C5574922, MONDO:0017990.
Cardiomyopathy (CMYO). Also called: Cardiomyopathies. Identifiers: Orphanet 167848, MedGen C0878544, MONDO:0004994, HP:0001638. Inheritance: Various modes of inheritance.
Catecholaminergic polymorphic ventricular tachycardia 1. Also called: VENTRICULAR TACHYCARDIA, CATECHOLAMINERGIC POLYMORPHIC, 1, WITH OR WITHOUT ATRIAL DYSFUNCTION AND/OR DILATED CARDIOMYOPATHY; RYR2-Related Catecholaminergic Polymorphic Ventricular Tachycardia; VENTRICULAR TACHYCARDIA, STRESS-INDUCED POLYMORPHIC 1. Identifiers: Orphanet 3286, MedGen C1631597, MONDO:0011484, OMIM 604772.

Allele frequency attached by ClinVar (database versions not stated): gnomAD exomes 0.00009 and 0.00004; ExAC 0.00011; TOPMed 0.00003; gnomAD 0.00009.
gnomAD v4.1: 81 of 1,613,518 alleles (0.005%); highest among the groups gnomAD compares: Non-Finnish European, 0.0028%; no homozygotes.

Submissions (6):

Labcorp Genetics (formerly Invitae), Labcorp
Classification: Likely benign for Catecholaminergic polymorphic ventricular tachycardia 1. Last evaluated: 2026-01-16. Review status: criteria provided, single submitter. Criteria: Invitae Variant Classification Sherloc (09022015). Collection method: clinical testing. Allele origin: germline.

Molecular Diagnostic Laboratory for Inherited Cardiovascular Disease, Montreal Heart Institute
Classification: Likely benign. Last evaluated: 2025-04-08. Review status: criteria provided, single submitter. Criteria: ACMG Guidelines, 2015. Collection method: clinical testing. Allele origin: germline. Affected: no.
Comment: PP2, BS1, BP5

Color Diagnostics, LLC DBA Color Health
Classification: Likely benign for Cardiomyopathy. Last evaluated: 2025-03-17. Review status: criteria provided, single submitter. Criteria: ACMG Guidelines, 2015. Collection method: clinical testing. Allele origin: germline.

Blueprint Genetics
Classification: Likely benign. Last evaluated: 2024-11-11. Review status: criteria provided, single submitter. Criteria: ACMG Guidelines, 2015. Collection method: clinical testing. Allele origin: germline.

All of Us Research Program, National Institutes of Health
Classification: Uncertain significance for Catecholaminergic polymorphic ventricular tachycardia. Last evaluated: 2023-12-13. Review status: criteria provided, single submitter. Criteria: ACMG Guidelines, 2015. Collection method: clinical testing. Allele origin: germline. Inheritance: Autosomal dominant inheritance. Observed: 8 variant alleles, 8 heterozygotes.
Comment: This missense variant is located in the cytoplasmic domain of the RYR2 protein. Computational prediction tools and conservation analyses are inconclusive regarding the impact of this variant on the protein function. Computational splicing tools suggest that this variant may not impact RNA splicing. To our knowledge, functional assays have not been performed for this variant. This variant has been reported in an individual affected with severe catecholaminergic polymorphic ventricular tachycardia (Takayama et al., 2017). This variant has also been identified in 31/279620 chromosomes (22/24976 Finnish European chromosomes) in the general population by the Genome Aggregation Database (gnomAD). The relatively high frequency of this variant in the general population suggests that this variant is unlikely to be disease-causing. However, additional studies are necessary to determine the role of this variant in disease conclusively. Therefore, this variant is classified as a Variant of Uncertain Significance.

This study involves interpretation of variants in research participants for the purpose of population health screening. Participant phenotype was not available at the time of variant classification. Additional details can be found in publication PMID: 35346344, PMCID: PMC8962531

Ambry Genetics
Classification: Likely benign for Cardiovascular phenotype. Last evaluated: 2020-01-07. Review status: criteria provided, single submitter. Criteria: Ambry Variant Classification Scheme 2023. Collection method: clinical testing. Allele origin: germline.

Literature cited by the submitters: PubMed 28404607 (cited by Ambry Genetics); PubMed 29925740 (cited by Ambry Genetics).